The following is an entry in ClinVar:

NM_001199397.3(NEK1):c.3850A>G (p.Asn1284Asp)

Gene: NEK1 (NIMA related kinase 1; minus strand). Cytogenetic location: 4q33.
Variant type: single nucleotide variant.
Coding change: c.3850A>G on transcript NM_001199397.3 (MANE Select); coding-DNA position 3850, A replaced by G.
Protein change: p.Asn1284Asp; replaces asparagine 1284 with aspartic acid.
Molecular consequence: missense variant. On other transcripts: non-coding transcript variant (1).
Genome position (GRCh38, 1-based): chr4:169,394,521, T>C on the plus strand (A>G on the coding strand, the complement: NEK1 is on the minus strand). VCF-style: chr4-169394521-T-C. GRCh37 (hg19) VCF-style: chr4-170315672-T-C.
Other names: c.3718A>G, p.Asn1240Asp (NM_001199398.3); c.3559A>G, p.Asn1187Asp (NM_001199399.3); c.3634A>G, p.Asn1212Asp (NM_001199400.3); c.3850A>G, p.Asn1284Asp (NM_001374418.1); c.3766A>G, p.Asn1256Asp (NM_001374419.1, NM_012224.4); c.3715A>G, p.Asn1239Asp (NM_001374420.1); c.3367A>G, p.Asn1123Asp (NM_001374421.1); c.3766A>G (NM_012224.2); short protein forms N1212D, N1240D, N1284D, N1239D, N1123D, N1187D, N1256D.
Identifiers: ClinVar variation 2885363 (VCV002885363.5), dbSNP rs908699767, ClinGen allele CA110542681.

ClinVar aggregate classification (germline): Uncertain significance. Review status: criteria provided, multiple submitters, no conflicts (2 of 4 stars). 2 submissions from 2 submitters: Uncertain significance (2). Last evaluated 2024-12-02.

Conditions:
Inborn genetic diseases. Identifiers: MedGen C0950123, MeSH D030342.
Short-rib thoracic dysplasia 6 with or without polydactyly (SRTD6). Also called: SHORT-RIB THORACIC DYSPLASIA 6 WITH POLYDACTYLY; SHORT-RIB THORACIC DYSPLASIA 6 WITHOUT POLYDACTYLY; Majewski Syndrome; SHORT RIB-POLYDACTYLY SYNDROME, TYPE IIA; POLYDACTYLY WITH NEONATAL CHONDRODYSTROPHY, TYPE II. Identifiers: MedGen C0024507, MONDO:0009894, OMIM 263520.

Allele frequency attached by ClinVar (database versions not stated): gnomAD 0.00002; TOPMed 0.00002; gnomAD exomes 0.00003.
gnomAD v4.1: 54 of 1,406,060 alleles (0.0038%); highest among the groups gnomAD compares: Non-Finnish European, 0.0044%; no homozygotes.

Submissions (3):

Ambry Genetics
Classification: Uncertain significance for Inborn genetic diseases. Last evaluated: 2024-12-02. Review status: criteria provided, single submitter. Criteria: Ambry Variant Classification Scheme 2023. Collection method: clinical testing. Allele origin: germline.

Labcorp Genetics (formerly Invitae), Labcorp
Classification: Uncertain significance for Short-rib thoracic dysplasia 6 with or without polydactyly. Last evaluated: 2023-08-17. Review status: criteria provided, single submitter. Criteria: Invitae Variant Classification Sherloc (09022015). Collection method: clinical testing. Allele origin: germline.
Comment: This sequence change replaces asparagine, which is neutral and polar, with aspartic acid, which is acidic and polar, at codon 1256 of the NEK1 protein (p.Asn1256Asp). This variant is present in population databases (no rsID available, gnomAD 0.007%). This variant has not been reported in the literature in individuals affected with NEK1-related conditions. An algorithm developed to predict the effect of missense changes on protein structure and function (PolyPhen-2) suggests that this variant is likely to be disruptive. In summary, the available evidence is currently insufficient to determine the role of this variant in disease. Therefore, it has been classified as a Variant of Uncertain Significance.

Dr. Peter K. Rogan Lab, Western University
No classification provided (evidence only). Condition: Sarcoma. Review status: no classification provided. Collection method: in vitro. Allele origin: not applicable. Functional consequence: retained intron. Not counted in ClinVar's aggregate classification.